The following is an entry in ClinVar:

NM_001165963.4(SCN1A):c.5834A>G (p.Asn1945Ser)

Genes: SCN1A (sodium voltage-gated channel alpha subunit 1; minus strand), LOC102724058 (uncharacterized LOC102724058; plus strand). Cytogenetic location: 2q24.3.
Variant type: single nucleotide variant.
Coding change: c.5834A>G on transcript NM_001165963.4 (MANE Select); coding-DNA position 5834, A replaced by G.
Protein change: p.Asn1945Ser; replaces asparagine 1945 with serine.
Molecular consequence: missense variant. On other transcripts: non-coding transcript variant (1).
Genome position (GRCh38, 1-based): chr2:165,991,441, T>C on the plus strand (A>G on the coding strand, the complement: SCN1A is on the minus strand). VCF-style: chr2-165991441-T-C. GRCh37 (hg19) VCF-style: chr2-166847951-T-C.
Other names: c.5750A>G, p.Asn1917Ser (NM_001165964.3, NM_001353957.2, NM_001353958.2); c.5834A>G, p.Asn1945Ser (NM_001202435.3, NM_001353948.2); c.5801A>G, p.Asn1934Ser (NM_001353949.2, NM_001353950.2, NM_001353951.2 and 2 more transcripts); c.5798A>G, p.Asn1933Ser (NM_001353954.2, NM_001353955.2); c.5747A>G, p.Asn1916Ser (NM_001353960.2); c.3392A>G, p.Asn1131Ser (NM_001353961.2); short protein forms N1916S, N1934S, N1917S, N1933S, N1945S, N1131S.
Identifiers: ClinVar variation 1408414 (VCV001408414.9), dbSNP rs767935681, ClinGen allele CA1942634.

ClinVar aggregate classification (germline): Uncertain significance (1 of 4 stars; one submission).

Conditions:
Early-infantile DEE. Also called: Early infantile epileptic encephalopathy; Ohtahara syndrome; Early infantile epileptic encephalopathy with suppression bursts. Identifiers: Orphanet 1934, MedGen C0393706, MONDO:0800491.

Allele frequency attached by ClinVar (database versions not stated): TOPMed below 0.00001; gnomAD exomes 0.00001 and 0.00002; ExAC 0.00002.
gnomAD v4.1: 4 of 1,613,874 alleles (0.00025%); highest among the groups gnomAD compares: Admixed American, 0.0067%; no homozygotes.

Submission:

Labcorp Genetics (formerly Invitae), Labcorp
Classification: Uncertain significance for Early-infantile DEE. Last evaluated: 2022-07-20. Review status: criteria provided, single submitter. Criteria: Invitae Variant Classification Sherloc (09022015). Collection method: clinical testing. Allele origin: germline.
Comment: In summary, the available evidence is currently insufficient to determine the role of this variant in disease. Therefore, it has been classified as a Variant of Uncertain Significance. Advanced modeling of protein sequence and biophysical properties (such as structural, functional, and spatial information, amino acid conservation, physicochemical variation, residue mobility, and thermodynamic stability) performed at Invitae indicates that this missense variant is not expected to disrupt SCN1A protein function. ClinVar contains an entry for this variant (Variation ID: 1408414). This variant has not been reported in the literature in individuals affected with SCN1A-related conditions. This variant is present in population databases (rs767935681, gnomAD 0.01%). This sequence change replaces asparagine, which is neutral and polar, with serine, which is neutral and polar, at codon 1945 of the SCN1A protein (p.Asn1945Ser).